The following is an entry in ClinVar:

ClinVar aggregate classification (germline): Uncertain significance (1 of 4 stars; one submission).

Submission:

Labcorp Genetics (formerly Invitae), Labcorp
Classification: Uncertain significance. Last evaluated: 2024-10-16. Review status: criteria provided, single submitter. Criteria: Invitae Variant Classification Sherloc (09022015). Collection method: clinical testing. Allele origin: germline.
Comment: This variant, c.868_870del, results in the deletion of 1 amino acid(s) of the NSMCE3 protein (p.Glu290del), but otherwise preserves the integrity of the reading frame. This variant is present in population databases (rs772183398, gnomAD 0.05%). This variant has not been reported in the literature in individuals affected with NSMCE3-related conditions. Experimental studies and prediction algorithms are not available or were not evaluated, and the functional significance of this variant is currently unknown. In summary, the available evidence is currently insufficient to determine the role of this variant in disease. Therefore, it has been classified as a Variant of Uncertain Significance.

NM_138704.4(NSMCE3):c.865GAG[1] (p.Glu290del)

Genes: ENTREP2 (endosomal transmembrane epsin interactor 2; minus strand), NSMCE3 (NSE3 homolog, SMC5-SMC6 complex component; minus strand). Cytogenetic location: 15q13.1.
Variant type: Microsatellite.
Coding change: c.865GAG[1] on transcript NM_138704.4 (MANE Select); one copy of the 3-base unit GAG starting at c.865; the reference has two copies in a row; one copy, 3 bases deleted.
Protein change: p.Glu290del; deletes glutamic acid 290.
Molecular consequence: inframe deletion. On other transcripts: intron variant (5).
Genome position (GRCh38, 1-based): chr15:29,268,836-29,268,838, CTC deleted on the plus strand (GAG on the coding strand, the reverse complement: NSMCE3 is on the minus strand); deleting any 3 consecutive bases within chr15:29,268,836-29,268,841 gives the same sequence; the position shown is the placement nearest the transcript's 3' end. VCF-style (leftmost placement, unchanged base first): chr15-29268835-TCTC-T. GRCh37 (hg19) VCF-style: chr15-29561039-TCTC-T.
Other names: c.-12-16360_-12-16358del (NM_001387217.1, NM_001387215.1, NM_001387216.1); c.277-16360_277-16358del (NM_001387214.1, NM_015307.2); short protein forms E290del.
Identifiers: ClinVar variation 1019113 (VCV001019113.5), dbSNP rs772183398, ClinGen allele CA7446042.
Genomic context (GRCh38, chr15:29,268,835, plus strand): 5'-CCTCTGAATCCACCTTTCAAGAGGATGGAGCTGGGCCACTAGGCTGAGGTCTGGCCCTGT[TCTC>T]CTCATCTGCCAAAGCCTCACAGTACTGCGCTGGCCAGTCCTTGGGGTCTTGATTATGGAC-3'